The following is an entry in ClinVar:

NM_001113378.2(FANCI):c.3270_3273del (p.Ser1090fs)

Gene: FANCI (FA complementation group I; plus strand). Cytogenetic location: 15q26.1.
Variant type: Deletion.
Coding change: c.3270_3273del on transcript NM_001113378.2 (MANE Select); coding-DNA positions 3270 to 3273, 4 bases deleted (TCAG; older notation c.3270_3273delTCAG).
Protein change: p.Ser1090fs; shifts the reading frame from serine 1090.
Molecular consequence: frameshift variant.
Genome position (GRCh38, 1-based): chr15:89,305,619-89,305,622, TCAG deleted; deleting any 4 consecutive bases within chr15:89,305,617-89,305,622 gives the same sequence; the c. name uses the placement nearest the transcript's 3' end. VCF-style (leftmost placement, unchanged base first): chr15-89305616-GAGTC-G. GRCh37 (hg19) VCF-style: chr15-89848847-GAGTC-G.
Other names: c.2991_2994del, p.Ser997fs (NM_001376910.1); c.3270_3273del, p.Ser1090fs (NM_001376911.1); c.3090_3093del, p.Ser1030fs (NM_018193.3); short protein forms S1030fs, S1090fs, S997fs.
Identifiers: ClinVar variation 3710857 (VCV003710857.2).

ClinVar aggregate classification (germline): Pathogenic (1 of 4 stars; one submission).

Conditions:
Fanconi anemia (FA). Also called: Fanconi's anemia. Identifiers: Orphanet 84, MedGen C0015625, MeSH D005199, MONDO:0019391.

Submission:

Labcorp Genetics (formerly Invitae), Labcorp
Classification: Pathogenic for Fanconi anemia. Last evaluated: 2024-12-12. Review status: criteria provided, single submitter. Criteria: Invitae Variant Classification Sherloc (09022015). Collection method: clinical testing. Allele origin: germline.
Comment: This sequence change creates a premature translational stop signal (p.Ser1090Argfs*6) in the FANCI gene. It is expected to result in an absent or disrupted protein product. Loss-of-function variants in FANCI are known to be pathogenic (PMID: 17452773, 17460694). This variant is not present in population databases (gnomAD no frequency). This variant has not been reported in the literature in individuals affected with FANCI-related conditions. For these reasons, this variant has been classified as Pathogenic.

Literature cited by the submitters: PubMed 17452773; PubMed 17460694.